The following is an entry in ClinVar:

NM_017825.3(ADPRS):c.1007C>T (p.Pro336Leu)

Gene: ADPRS (ADP-ribosylserine hydrolase; plus strand). Cytogenetic location: 1p34.3.
Variant type: single nucleotide variant.
Coding change: c.1007C>T on transcript NM_017825.3 (MANE Select); coding-DNA position 1007, C replaced by T.
Protein change: p.Pro336Leu; replaces proline 336 with leucine.
Molecular consequence: missense variant.
Genome position (GRCh38, 1-based): chr1:36,093,301, C>T. VCF-style: chr1-36093301-C-T. GRCh37 (hg19) VCF-style: chr1-36558902-C-T.
Other names: p.Pro336Leu; short protein forms P336L.
Identifiers: ClinVar variation 1800968 (VCV001800968.4), dbSNP rs200099878, ClinGen allele CA764740.

ClinVar aggregate classification (germline): Uncertain significance. Review status: criteria provided, multiple submitters, no conflicts (2 of 4 stars). 3 submissions from 3 submitters: Uncertain significance (3). Last evaluated 2025-12-06.

Allele frequency attached by ClinVar (database versions not stated): TOPMed 0.00025; ESP Exome Variant Server 0.00031; gnomAD exomes 0.00046; gnomAD 0.00054; ExAC 0.00060.

Submissions (3):

Mayo Clinic Laboratories, Mayo Clinic
Classification: Uncertain significance. Last evaluated: 2025-12-06. Review status: criteria provided, single submitter. Criteria: ACMG Guidelines, 2015. Collection method: clinical testing. Allele origin: germline. Observed: 1 variant allele.
Comment: BS1, PP3

Blueprint Genetics
Classification: Uncertain significance. Last evaluated: 2024-11-22. Review status: criteria provided, single submitter. Criteria: ACMG Guidelines, 2015. Collection method: clinical testing. Allele origin: germline.

GeneDx
Classification: Uncertain significance. Last evaluated: 2024-09-23. Review status: criteria provided, single submitter. Criteria: GeneDx Variant Classification Process June 2021. Collection method: clinical testing. Allele origin: germline.
Comment: In silico analysis supports that this missense variant has a deleterious effect on protein structure/function; Has not been previously published as pathogenic or benign to our knowledge